The following is an entry in ClinVar:

ClinVar aggregate classification (germline): Pathogenic (1 of 4 stars; one submission).

Conditions:
Charcot-Marie-Tooth disease axonal type 2C (HMSN2C). Also called: CHARCOT-MARIE-TOOTH DISEASE, AXONAL, AUTOSOMAL DOMINANT, TYPE 2C; Charcot-Marie-Tooth Neuropathy Type 2C; Charcot-Marie-Tooth Disease Type 2, TRPV4-Related (CMT2C). Identifiers: Orphanet 99937, MedGen C1853710, MONDO:0011633, OMIM 606071.

Submission:

Labcorp Genetics (formerly Invitae), Labcorp
Classification: Pathogenic for Charcot-Marie-Tooth disease axonal type 2C. Last evaluated: 2021-04-09. Review status: criteria provided, single submitter. Criteria: Invitae Variant Classification Sherloc (09022015). Collection method: clinical testing. Allele origin: germline.
Comment: This variant has been observed in individual(s) with spondylometaphyseal dysplasia (PMID: 26377240). In at least one individual the variant was observed to be de novo. This variant is not present in population databases (ExAC no frequency). This sequence change replaces glycine with glutamic acid at codon 600 of the TRPV4 protein (p.Gly600Glu). The glycine residue is highly conserved and there is a moderate physicochemical difference between glycine and glutamic acid. Advanced modeling of protein sequence and biophysical properties (such as structural, functional, and spatial information, amino acid conservation, physicochemical variation, residue mobility, and thermodynamic stability) performed at Invitae indicates that this missense variant is expected to disrupt TRPV4 protein function. For these reasons, this variant has been classified as Pathogenic.

Literature cited by the submitters: PubMed 26377240.

NM_021625.5(TRPV4):c.1799G>A (p.Gly600Glu)

Gene: TRPV4 (transient receptor potential cation channel subfamily V member 4; minus strand). Cytogenetic location: 12q24.11.
Variant type: single nucleotide variant.
Coding change: c.1799G>A on transcript NM_021625.5 (MANE Select); coding-DNA position 1799, G replaced by A.
Protein change: p.Gly600Glu; replaces glycine 600 with glutamic acid.
Molecular consequence: missense variant.
Genome position (GRCh38, 1-based): chr12:109,792,677, C>T on the plus strand (G>A on the coding strand, the complement: TRPV4 is on the minus strand). VCF-style: chr12-109792677-C-T. GRCh37 (hg19) VCF-style: chr12-110230482-C-T.
Other names: c.1658G>A, p.Gly553Glu (NM_001177428.2); c.1697G>A, p.Gly566Glu (NM_001177431.2); c.1478G>A, p.Gly493Glu (NM_001177433.2); c.1619G>A, p.Gly540Glu (NM_147204.3); short protein forms G566E, G553E, G600E, G493E, G540E.
Identifiers: ClinVar variation 1458308 (VCV001458308.8), dbSNP rs2136468103, ClinGen allele CA386652108.
Genomic context (GRCh38, chr12:109,792,677, plus strand): 5'-AACACACGAGTCCAGAGGGTCCTCCCAGCCCGTACCTTCTGGATCATGATGCTATAGGTC[C>T]CCGTCAGCTTCAGCCCACGGGTGAAGTAAAGGGCATTCATCCAGCCCAGGACCAGGGCAA-3'
Protein context (NP_067638.3, residues 590-610): LYFTRGLKLT[Gly600Glu]TYSIMIQKIL